The following is an entry in ClinVar:

ClinVar aggregate classification (germline): Likely benign. Review status: criteria provided, multiple submitters, no conflicts (2 of 4 stars). 4 submissions from 4 submitters: Likely benign (4). Last evaluated 2025-01-06.

Conditions:
Classic or attenuated familial adenomatous polyposis. Identifiers: MedGen CN372698, MONDO:0021057.
Familial adenomatous polyposis 1 (FAP1). Also called: POLYPOSIS, ADENOMATOUS INTESTINAL; FAMILIAL ADENOMATOUS POLYPOSIS 1, ATTENUATED. Identifiers: MedGen C2713442, MONDO:0021056, OMIM 175100. Disease mechanism: loss of function.
Hereditary cancer-predisposing syndrome. Also called: Tumor predisposition; Hereditary Cancer Syndrome; Neoplastic Syndromes, Hereditary; Hereditary neoplastic syndrome. Identifiers: Orphanet 140162, MedGen C0027672, MeSH D009386, MONDO:0015356.

Allele frequency attached by ClinVar (database versions not stated): gnomAD exomes below 0.00001; TOPMed below 0.00001; ExAC 0.00001.
gnomAD v4.1: 1 of 1,598,546 alleles (0.000063%); highest among the groups gnomAD compares: Admixed American, 0.0017%; no homozygotes.

Submissions (4):

Labcorp Genetics (formerly Invitae), Labcorp
Classification: Likely benign for Familial adenomatous polyposis 1. Last evaluated: 2025-01-06. Review status: criteria provided, single submitter. Criteria: Invitae Variant Classification Sherloc (09022015). Collection method: clinical testing. Allele origin: germline.

Myriad Genetics, Inc.
Classification: Likely benign for Familial adenomatous polyposis 1. Last evaluated: 2024-02-27. Review status: criteria provided, single submitter. Criteria: Myriad Autosomal Dominant, Autosomal Recessive and X-Linked Classification Criteria (2023). Collection method: clinical testing. Allele origin: unknown.
Comment: This variant is considered likely benign. This variant is intronic and is not expected to impact mRNA splicing.

All of Us Research Program, National Institutes of Health
Classification: Likely benign for Classic or attenuated familial adenomatous polyposis. Last evaluated: 2023-05-04. Review status: criteria provided, single submitter. Criteria: ACMG Guidelines, 2015. Collection method: clinical testing. Allele origin: germline. Inheritance: Autosomal dominant inheritance. Observed: 1 variant allele, 1 heterozygote.
Comment: This study involves interpretation of variants in research participants for the purpose of population health screening. Participant phenotype was not available at the time of variant classification. Additional details can be found in publication PMID: 35346344, PMCID: PMC8962531

Color Diagnostics, LLC DBA Color Health
Classification: Likely benign for Hereditary cancer-predisposing syndrome. Last evaluated: 2021-04-13. Review status: criteria provided, single submitter. Criteria: ACMG Guidelines, 2015. Collection method: clinical testing. Allele origin: germline.

NM_000038.6(APC):c.835-13G>A

Gene: APC (APC regulator of Wnt signaling pathway; plus strand). Cytogenetic location: 5q22.2.
Variant type: single nucleotide variant.
Coding change: c.835-13G>A on transcript NM_000038.6 (MANE Select); 13 bases into the intron before coding-DNA position 835, G replaced by A.
Molecular consequence: intron variant.
Genome position (GRCh38, 1-based): chr5:112,815,482, G>A. VCF-style: chr5-112815482-G-A. GRCh37 (hg19) VCF-style: chr5-112151179-G-A.
Other names: c.835-13G>A (NM_001354895.2, NM_001127510.3, NM_001354896.2 and 1 more transcripts); c.865-13G>A (NM_001354897.2, NM_001354902.2); c.781-13G>A (NM_001127511.3); c.760-13G>A (NM_001354898.2, NM_001354904.2); c.-15-13G>A (NM_001354906.2); c.751-13G>A (NM_001354899.2); c.658-13G>A (NM_001354900.2, NM_001354901.2, NM_001354905.2).
Identifiers: ClinVar variation 1332031 (VCV001332031.7), dbSNP rs751000034, ClinGen allele CA050531.